The following is an entry in ClinVar:

ClinVar aggregate classification (germline): Pathogenic/Likely pathogenic. Review status: criteria provided, multiple submitters, no conflicts (2 of 4 stars). 2 submissions from 2 submitters: Pathogenic (1); Likely pathogenic (1). Last evaluated 2025-09-17.

Conditions:
Autosomal dominant Alport syndrome (ATS3A). Also called: Alport syndrome dominant type; Renal failure and sensorineural hearing loss; ALPORT SYNDROME 3A, AUTOSOMAL DOMINANT. Identifiers: Orphanet 63, Orphanet 88918, MedGen C5882663, MONDO:0007086, OMIM 104200.
Hematuria, benign familial, 2 (BFH2). Identifiers: MedGen C5830421, MONDO:0958186, OMIM 620320.
Alport syndrome 3b, autosomal recessive. Identifiers: MedGen C5882699, MONDO:0957811, OMIM 620536.
Alport syndrome. Also called: Hemorrhagic familial nephritis; Hemorrhagic hereditary nephritis; Congenital hereditary hematuria. Identifiers: Orphanet 63, MedGen C1567741, MONDO:0018965.

Submissions (2):

Natera, Inc.
Classification: Likely pathogenic for Alport syndrome. Last evaluated: 2025-09-17. Review status: criteria provided, single submitter. Criteria: Natera Variant Classification Schema (03/2026). Collection method: clinical testing. Allele origin: germline.
Comment: The c.415G>A variant in COL4A3 is a missense variant predicted to cause substitution of glycine to arginine at amino acid 139. This variant is rare in the general population with a frequency below the threshold expected for the associated phenotype(s). This variant is located in a functionally critical region of the protein. Computational prediction algorithms indicate this variant is likely to affect gene or protein function. Given the available evidence, this variant is classified as Likely Pathogenic.

Fulgent Genetics
Classification: Pathogenic for Autosomal dominant Alport syndrome; Hematuria, benign familial, 2; Alport syndrome 3b, autosomal recessive. Last evaluated: 2024-03-08. Review status: criteria provided, single submitter. Criteria: ACMG Guidelines, 2015. Collection method: clinical testing. Allele origin: germline.

NM_000091.5(COL4A3):c.415G>A (p.Gly139Arg)

Genes: MFF-DT (MFF divergent transcript; minus strand), COL4A3 (collagen type IV alpha 3 chain; plus strand). Cytogenetic location: 2q36.3.
Variant type: single nucleotide variant.
Coding change: c.415G>A on transcript NM_000091.5 (MANE Select); coding-DNA position 415, G replaced by A.
Protein change: p.Gly139Arg; replaces glycine 139 with arginine.
Molecular consequence: missense variant.
Genome position (GRCh38, 1-based): chr2:227,246,712, G>A. VCF-style: chr2-227246712-G-A. GRCh37 (hg19) VCF-style: chr2-228111428-G-A.
Other names: short protein forms G139R.
Identifiers: ClinVar variation 3585977 (VCV003585977.2).
Genomic context (GRCh38, chr2:227,246,712, plus strand): 5'-TAAGAATAATAAGAAACTTTGTATGTCTTTTAGGGTGAGCAGGGGTTTCCAGGACTCCCA[G>A]GGACACTGGGCTACCCAGGGATCCCGGTAGGTTTGCATGCCTAATTCCCCAACAAAGACA-3'
Protein context (NP_000082.2, residues 129-149): KGEQGFPGLP[Gly139Arg]TLGYPGIPGA